The following is an entry in ClinVar:

ClinVar aggregate classification (germline): Uncertain significance (1 of 4 stars; one submission).

Conditions:
Tyrosinemia type I (TYRSN1). Also called: Tyrosinemia type 1; Fumarylacetoacetase deficiency; Deficiency of fumarylacetoacetase; FAH DEFICIENCY; HEPATORENAL TYROSINEMIA. Identifiers: Orphanet 882, MedGen C0268490, MONDO:0010161, OMIM 276700. Disease mechanism: loss of function.

Submission:

Labcorp Genetics (formerly Invitae), Labcorp
Classification: Uncertain significance for Tyrosinemia type I. Last evaluated: 2025-03-26. Review status: criteria provided, single submitter. Criteria: Invitae Variant Classification Sherloc (09022015). Collection method: clinical testing. Allele origin: germline.
Comment: This sequence change replaces arginine, which is basic and polar, with serine, which is neutral and polar, at codon 82 of the FAH protein (p.Arg82Ser). This variant is not present in population databases (gnomAD no frequency). This variant has not been reported in the literature in individuals affected with FAH-related conditions. Invitae Evidence Modeling of protein sequence and biophysical properties (such as structural, functional, and spatial information, amino acid conservation, physicochemical variation, residue mobility, and thermodynamic stability) indicates that this missense variant is expected to disrupt FAH protein function with a positive predictive value of 80%. In summary, the available evidence is currently insufficient to determine the role of this variant in disease. Therefore, it has been classified as a Variant of Uncertain Significance.

NM_000137.4(FAH):c.246A>C (p.Arg82Ser)

Gene: FAH (fumarylacetoacetate hydrolase; plus strand). Cytogenetic location: 15q25.1.
Variant type: single nucleotide variant.
Coding change: c.246A>C on transcript NM_000137.4 (MANE Select); coding-DNA position 246, A replaced by C.
Protein change: p.Arg82Ser; replaces arginine 82 with serine.
Molecular consequence: missense variant.
Genome position (GRCh38, 1-based): chr15:80,159,809, A>C. VCF-style: chr15-80159809-A-C. GRCh37 (hg19) VCF-style: chr15-80452151-A-C.
Other names: c.246A>C, p.Arg82Ser (NM_001374377.1, NM_001374380.1); short protein forms R82S.
Identifiers: ClinVar variation 4741404 (VCV004741404.1).
Genomic context (GRCh38, chr15:80,159,809, plus strand): 5'-GTCTTAGCCTACACTCAACAGCTTCATGGGCCTGGGTCAGGCTGCCTGGAAGGAGGCGAG[A>C]GTGTTCTTGCAGAACTTGCTGTCTGTGAGCCAAGCCAGGCTCAGAGATGACACCGAACTT-3'
Protein context (NP_000128.1, residues 72-92): GLGQAAWKEA[Arg82Ser]VFLQNLLSVS